The following is an entry in ClinVar:

NM_014795.4(ZEB2):c.757C>A (p.Arg253Ser)

Gene: ZEB2 (zinc finger E-box binding homeobox 2; minus strand). Cytogenetic location: 2q22.3.
Variant type: single nucleotide variant.
Coding change: c.757C>A on transcript NM_014795.4 (MANE Select); coding-DNA position 757, C replaced by A.
Protein change: p.Arg253Ser; replaces arginine 253 with serine.
Molecular consequence: missense variant.
Genome position (GRCh38, 1-based): chr2:144,403,966, G>T on the plus strand (C>A on the coding strand, the complement: ZEB2 is on the minus strand). VCF-style: chr2-144403966-G-T. GRCh37 (hg19) VCF-style: chr2-145161533-G-T.
Other names: c.685C>A, p.Arg229Ser (NM_001171653.2); short protein forms R229S, R253S.
Identifiers: ClinVar variation 861296 (VCV000861296.10), dbSNP rs760301787, ClinGen allele CA348714659.
Genomic context (GRCh38, chr2:144,403,966, plus strand): 5'-ATCCCCCCACCTGATCTGTCCCTGGCTTGTGTGTCACCATATGCCGCTCGAGCTGGGTGC[G>T]GTAGGCAAACGTGTAGCTACAGAGAGGGCAGGAAAAGTTCTCTTCATTCTTCTCGTGGCG-3'
Protein context (NP_055610.1, residues 243-263): CPLCSYTFAY[Arg253Ser]TQLERHMVTH

ClinVar aggregate classification (germline): Conflicting classifications of pathogenicity. Review status: criteria provided, conflicting classifications (1 of 4 stars). 2 submissions from 2 submitters: Uncertain significance (1); Benign (1). Last evaluated 2025-09-24.

Conditions:
Mowat-Wilson syndrome (MOWS). Also called: Classic Mowat-Wilson Syndrome. Identifiers: Orphanet 2152, MedGen C1856113, MONDO:0009341, OMIM 235730.

Allele frequency attached by ClinVar (database versions not stated): TOPMed below 0.00001.

Submissions (2):

Labcorp Genetics (formerly Invitae), Labcorp
Classification: Benign for Mowat-Wilson syndrome. Last evaluated: 2025-09-24. Review status: criteria provided, single submitter. Criteria: Invitae Variant Classification Sherloc (09022015). Collection method: clinical testing. Allele origin: germline.

GeneDx
Classification: Uncertain significance. Last evaluated: 2023-03-21. Review status: criteria provided, single submitter. Criteria: GeneDx Variant Classification Process June 2021. Collection method: clinical testing. Allele origin: germline. Affected: yes.
Comment: Not observed at significant frequency in large population cohorts (gnomAD); In silico analysis supports that this missense variant has a deleterious effect on protein structure/function; Has not been previously published as pathogenic or benign to our knowledge; This variant is associated with the following publications: (PMID: 16053902)